The following is an entry in ClinVar:

NM_199420.4(POLQ):c.2656A>T (p.Ile886Phe)

Gene: POLQ (DNA polymerase theta; minus strand). Cytogenetic location: 3q13.33.
Variant type: single nucleotide variant.
Coding change: c.2656A>T on transcript NM_199420.4 (MANE Select); coding-DNA position 2656, A replaced by T.
Protein change: p.Ile886Phe; replaces isoleucine 886 with phenylalanine.
Molecular consequence: missense variant.
Genome position (GRCh38, 1-based): chr3:121,490,275, T>A on the plus strand (A>T on the coding strand, the complement: POLQ is on the minus strand). VCF-style: chr3-121490275-T-A. GRCh37 (hg19) VCF-style: chr3-121209122-T-A.
Other names: short protein forms I886F.
Identifiers: ClinVar variation 3422652 (VCV003422652.1).

ClinVar aggregate classification (germline): Uncertain significance (1 of 4 stars; one submission).

Submission:

Ambry Genetics
Classification: Uncertain significance. Last evaluated: 2024-11-09. Review status: criteria provided, single submitter. Criteria: Ambry Variant Classification Scheme 2023. Collection method: clinical testing. Allele origin: germline.
Comment: The p.I886F variant (also known as c.2656A>T), located in coding exon 16 of the POLQ gene, results from an A to T substitution at nucleotide position 2656. The isoleucine at codon 886 is replaced by phenylalanine, an amino acid with highly similar properties. This amino acid position is conserved. In addition, this alteration is predicted to be tolerated by in silico analysis. Based on the available evidence, the clinical significance of this variant remains unclear.